The following is an entry in ClinVar:

ClinVar aggregate classification (germline): Uncertain significance. Review status: criteria provided, multiple submitters, no conflicts (2 of 4 stars). 3 submissions from 3 submitters: Uncertain significance (3). Last evaluated 2025-07-09.

Conditions:
Hereditary breast ovarian cancer syndrome. Also called: Hereditary breast and ovarian cancer syndrome (HBOC); Hereditary breast and ovarian cancer syndrome; Breast and ovarian cancer; Hereditary breast and/or ovarian cancer syndrome; Hereditary breast and ovarian cancer; BRCA1- and BRCA2-Associated Hereditary Breast and Ovarian Cancer. Identifiers: Orphanet 145, MedGen C0677776, MeSH D061325, MONDO:0003582. Disease mechanism: loss of function.
Familial cancer of breast. Also called: BREAST CANCER, FAMILIAL; Hereditary breast cancer; hereditary breast carcinoma. Identifiers: Orphanet 227535, MedGen C0346153, MONDO:0016419, OMIM 114480. Disease mechanism: loss of function.
Hereditary cancer-predisposing syndrome. Also called: Hereditary neoplastic syndrome; Neoplastic Syndromes, Hereditary; Hereditary Cancer Syndrome; Tumor predisposition. Identifiers: Orphanet 140162, MedGen C0027672, MeSH D009386, MONDO:0015356.

Allele frequency attached by ClinVar (database versions not stated): TOPMed 0.00001.

Submissions (3):

German Consortium for Hereditary Breast and Ovarian Cancer, University Hospital Cologne
Classification: Uncertain significance for Hereditary breast ovarian cancer syndrome. Last evaluated: 2025-07-09. Review status: criteria provided, single submitter. Criteria: ACMG Guidelines, 2015. Collection method: curation. Allele origin: germline.
Comment: This classification follows the ACMG SVI adaptation classification scheme; We chose these criteria: PS3 (medium pathogenic): Stolarova 2023: damaging in CHK2&KAP1 assay, PM2 (supporting pathogenic): absent from gnomAD 2/3/4, PP3 (medium pathogenic): REVEL = 0.859 (thus [0.773, 0.932) as per Pejaver (2022, PMID: 36413997))

Ambry Genetics
Classification: Uncertain significance for Hereditary cancer-predisposing syndrome. Last evaluated: 2024-03-25. Review status: criteria provided, single submitter. Criteria: Ambry Variant Classification Scheme 2023. Collection method: clinical testing. Allele origin: germline.
Comment: The p.G232R variant (also known as c.694G>A), located in coding exon 5 of the CHEK2 gene, results from a G to A substitution at nucleotide position 694. The glycine at codon 232 is replaced by arginine, an amino acid with dissimilar properties. This alteration was reported as functionally impaired in a study assessing CHEK2-complementation through quantification of KAP1 phosphorylation and CHK2 autophosphorylation in human RPE1-CHEK2-knockout cells (Stolarova L et al. Clin Cancer Res, 2023 Aug;29:3037-3050). This amino acid position is highly conserved in available vertebrate species. In addition, this alteration is predicted to be deleterious by in silico analysis. Based on the available evidence, the clinical significance of this alteration remains unclear.

Labcorp Genetics (formerly Invitae), Labcorp
Classification: Uncertain significance for Familial cancer of breast. Last evaluated: 2022-07-25. Review status: criteria provided, single submitter. Criteria: Invitae Variant Classification Sherloc (09022015). Collection method: clinical testing. Allele origin: germline.
Comment: In summary, the available evidence is currently insufficient to determine the role of this variant in disease. Therefore, it has been classified as a Variant of Uncertain Significance. Algorithms developed to predict the effect of sequence changes on RNA splicing suggest that this variant may create or strengthen a splice site. Algorithms developed to predict the effect of missense changes on protein structure and function are either unavailable or do not agree on the potential impact of this missense change (SIFT: "Deleterious"; PolyPhen-2: "Probably Damaging"; Align-GVGD: "Class C15"). ClinVar contains an entry for this variant (Variation ID: 530162). This variant has not been reported in the literature in individuals affected with CHEK2-related conditions. This variant is not present in population databases (gnomAD no frequency). This sequence change replaces glycine, which is neutral and non-polar, with arginine, which is basic and polar, at codon 232 of the CHEK2 protein (p.Gly232Arg).

Literature cited by the submitters: PubMed 37449874 (cited by Ambry Genetics).

NM_007194.4(CHEK2):c.694G>A (p.Gly232Arg)

Gene: CHEK2 (checkpoint kinase 2; minus strand). Cytogenetic location: 22q12.1.
Variant type: single nucleotide variant.
Coding change: c.694G>A on transcript NM_007194.4 (MANE Select); coding-DNA position 694, G replaced by A.
Protein change: p.Gly232Arg; replaces glycine 232 with arginine.
Molecular consequence: missense variant.
Genome position (GRCh38, 1-based): chr22:28,712,007, C>T on the plus strand (G>A on the coding strand, the complement: CHEK2 is on the minus strand). VCF-style: chr22-28712007-C-T. GRCh37 (hg19) VCF-style: chr22-29107995-C-T.
Other names: c.823G>A, p.Gly275Arg (NM_001005735.3); c.31G>A, p.Gly11Arg (NM_001257387.3); c.493G>A, p.Gly165Arg (NM_001349956.3); c.694G>A, p.Gly232Arg (NM_145862.3); short protein forms G232R, G275R, G11R, G165R.
Identifiers: ClinVar variation 530162 (VCV000530162.13), dbSNP rs1555921319, ClinGen allele CA411103486.
Genomic context (GRCh38, chr22:28,712,007, plus strand): 5'-TGATGATCTTTATGGCTACTTTCTTACATGTTTTCCTCTCGAAAGCCAGCTTTACCTCTC[C>T]ACAGGCACCACTAGAGGGAAAAACAAAGATAGTGATTGTCTGAATGTTTTTAATTATGAG-3'
Protein context (NP_009125.1, residues 222-242): MSKTLGSGAC[Gly232Arg]EVKLAFERKT